The following is an entry in ClinVar:

ClinVar aggregate classification (germline): Uncertain significance (1 of 4 stars; one submission).

Conditions:
Dilated cardiomyopathy 1G (CMD1G). Identifiers: Orphanet 154, MedGen C1858763, MONDO:0011400, OMIM 604145.
Autosomal recessive limb-girdle muscular dystrophy type 2J (LGMDR10). Also called: Limb-girdle muscular dystrophy, type 2J; MUSCULAR DYSTROPHY, LIMB-GIRDLE, AUTOSOMAL RECESSIVE 10. Identifiers: Orphanet 140922, MedGen C1837342, MONDO:0012127, OMIM 608807.

Submission:

Labcorp Genetics (formerly Invitae), Labcorp
Classification: Uncertain significance for Dilated cardiomyopathy 1G; Autosomal recessive limb-girdle muscular dystrophy type 2J. Last evaluated: 2023-08-02. Review status: criteria provided, single submitter. Criteria: Invitae Variant Classification Sherloc (09022015). Collection method: clinical testing. Allele origin: germline.
Comment: This sequence change replaces glutamic acid, which is acidic and polar, with glycine, which is neutral and non-polar, at codon 34688 of the TTN protein (p.Glu34688Gly). This variant is not present in population databases (gnomAD no frequency). This variant has not been reported in the literature in individuals affected with TTN-related conditions. Experimental studies and prediction algorithms are not available or were not evaluated, and the functional significance of this variant is currently unknown. In summary, the available evidence is currently insufficient to determine the role of this variant in disease. Therefore, it has been classified as a Variant of Uncertain Significance. This variant is located in the M band of TTN (PMID: 25589632). Variants in this region may be relevant for neuromuscular disorders, but have not been definitively shown to cause cardiomyopathy (PMID: 23975875).

Literature cited by the submitters: PubMed 25589632; PubMed 23975875.

NM_001267550.2(TTN):c.104063A>G (p.Glu34688Gly)

Genes: TTN (titin; minus strand), TTN-AS1 (TTN antisense RNA 1; plus strand). Cytogenetic location: 2q31.2.
Variant type: single nucleotide variant.
Coding change: c.104063A>G on transcript NM_001267550.2 (MANE Select); coding-DNA position 104063, A replaced by G.
Protein change: p.Glu34688Gly; replaces glutamic acid 34688 with glycine.
Molecular consequence: missense variant.
Genome position (GRCh38, 1-based): chr2:178,532,552, T>C on the plus strand (A>G on the coding strand, the complement: TTN is on the minus strand). VCF-style: chr2-178532552-T-C. GRCh37 (hg19) VCF-style: chr2-179397279-T-C.
Other names: c.99140A>G, p.Glu33047Gly (NM_001256850.1); c.76868A>G, p.Glu25623Gly (NM_003319.4); c.96359A>G, p.Glu32120Gly (NM_133378.4); c.77243A>G, p.Glu25748Gly (NM_133432.3); c.77444A>G, p.Glu25815Gly (NM_133437.4); short protein forms E25748G, E25623G, E32120G, E25815G, E33047G, E34688G.
Identifiers: ClinVar variation 2950574 (VCV002950574.3), dbSNP rs2468457153, ClinGen allele CA349412639.